The following is an entry in ClinVar:

ClinVar aggregate classification (germline): Uncertain significance (1 of 4 stars; one submission).

Allele frequency attached by ClinVar (database versions not stated): gnomAD 0.00001; TOPMed 0.00001.
gnomAD v4.1: 1 of 1,603,622 alleles (0.000062%); highest among the groups gnomAD compares: African/African-American, 0.0014%; no homozygotes.

Submission:

GeneDx
Classification: Uncertain significance. Last evaluated: 2022-12-23. Review status: criteria provided, single submitter. Criteria: GeneDx Variant Classification Process June 2021. Collection method: clinical testing. Allele origin: germline. Affected: yes.
Comment: In silico analysis supports that this missense variant has a deleterious effect on protein structure/function; Not observed at significant frequency in large population cohorts (gnomAD); Has not been previously published as pathogenic or benign to our knowledge

NM_001162501.2(TNRC6B):c.3837G>C (p.Gln1279His)

Gene: TNRC6B (trinucleotide repeat containing adaptor 6B; plus strand). Cytogenetic location: 22q13.1.
Variant type: single nucleotide variant.
Coding change: c.3837G>C on transcript NM_001162501.2 (MANE Select); coding-DNA position 3837, G replaced by C.
Protein change: p.Gln1279His; replaces glutamine 1279 with histidine.
Molecular consequence: missense variant.
Genome position (GRCh38, 1-based): chr22:40,300,583, G>C. VCF-style: chr22-40300583-G-C. GRCh37 (hg19) VCF-style: chr22-40696587-G-C.
Other names: c.1425G>C, p.Gln475His (NM_001024843.2); c.3507G>C, p.Gln1169His (NM_015088.3); short protein forms Q1169H, Q1279H, Q475H.
Identifiers: ClinVar variation 2507137 (VCV002507137.1), dbSNP rs1601504335, ClinGen allele CA411660650.